The following is an entry in ClinVar:

NM_003124.5(SPR):c.785A>G (p.Ter262=)

Gene: SPR (sepiapterin reductase; plus strand). Cytogenetic location: 2p13.2.
Variant type: single nucleotide variant.
Coding change: c.785A>G on transcript NM_003124.5 (MANE Select); coding-DNA position 785, A replaced by G.
Protein change: p.Ter262=.
Molecular consequence: synonymous variant.
Genome position (GRCh38, 1-based): chr2:72,891,536, A>G. VCF-style: chr2-72891536-A-G. GRCh37 (hg19) VCF-style: chr2-73118665-A-G.
Other names: p.*262=.
Identifiers: ClinVar variation 412652 (VCV000412652.32), dbSNP rs145082655, ClinGen allele CA1709036.

ClinVar aggregate classification (germline): Benign. Review status: criteria provided, multiple submitters, no conflicts (2 of 4 stars). 5 submissions from 5 submitters: Benign (5). Last evaluated 2026-02-02.

Conditions:
Dystonic disorder. Also called: Dystonia. Identifiers: MedGen C0013421, MONDO:0003441, HP:0001332.
Dopa-responsive dystonia due to sepiapterin reductase deficiency. Also called: SPR DEFICIENCY; Sepiapterin reductase deficiency; DYT-SPR. Identifiers: Orphanet 70594, MedGen C0268468, MONDO:0012994, OMIM 612716.

Allele frequency attached by ClinVar (database versions not stated): gnomAD exomes 0.00042 and 0.00097; ExAC 0.00121; gnomAD 0.00352 and 0.00380; 1000 Genomes Project 30x 0.00390; TOPMed 0.00391; ESP Exome Variant Server 0.00423; 1000 Genomes Project 0.00479.
gnomAD v4.1: 1,188 of 1,614,228 alleles (0.074%); highest among the groups gnomAD compares: African/African-American, 1.3%; 13 homozygotes.

Submissions (5):

Labcorp Genetics (formerly Invitae), Labcorp
Classification: Benign for Dystonic disorder. Last evaluated: 2026-02-02. Review status: criteria provided, single submitter. Criteria: Invitae Variant Classification Sherloc (09022015). Collection method: clinical testing. Allele origin: germline.

Mayo Clinic Laboratories, Mayo Clinic
Classification: Benign. Last evaluated: 2025-08-07. Review status: criteria provided, single submitter. Criteria: ACMG Guidelines, 2015. Collection method: clinical testing. Allele origin: germline. Observed: 5 variant alleles.
Comment: BS1, BS2, BP4, BP7

CeGaT Center for Human Genetics Tuebingen
Classification: Benign. Last evaluated: 2024-11-01. Review status: criteria provided, single submitter. Criteria: CeGaT Center For Human Genetics Tuebingen Variant Classification Criteria Version 2. Collection method: clinical testing. Allele origin: germline. Affected: yes. Observed: 2 variant alleles.
Comment: SPR: BS1, BS2

Illumina Laboratory Services, Illumina
Classification: Benign for Dopa-responsive dystonia due to sepiapterin reductase deficiency. Last evaluated: 2017-04-27. Review status: criteria provided, single submitter. Criteria: ICSL Variant Classification Criteria 13 December 2019. Collection method: clinical testing. Allele origin: germline.
Comment: This variant was observed as part of a predisposition screen in an ostensibly healthy population. A literature search was performed for the gene, cDNA change, and amino acid change (where applicable). No publications were found based on this search. Allele frequency data from public databases was too high to be consistent with this variant causing disease. Therefore, this variant is classified as benign.

Breakthrough Genomics
Classification: Benign. Review status: criteria provided, single submitter. Criteria: ACMG Guidelines, 2015. Collection method: not provided. Allele origin: germline. Inheritance: Autosomal recessive inheritance. Affected: yes.